The following is an entry in ClinVar:

ClinVar aggregate classification (germline): Pathogenic (1 of 4 stars; one submission).

Conditions:
Alstrom syndrome (ALMS). Identifiers: Orphanet 64, MedGen C0268425, MONDO:0008763, OMIM 203800.

Submission:

Labcorp Genetics (formerly Invitae), Labcorp
Classification: Pathogenic for Alstrom syndrome. Last evaluated: 2022-09-07. Review status: criteria provided, single submitter. Criteria: Invitae Variant Classification Sherloc (09022015). Collection method: clinical testing. Allele origin: germline.
Comment: For these reasons, this variant has been classified as Pathogenic. ClinVar contains an entry for this variant (Variation ID: 1453145). This variant has not been reported in the literature in individuals affected with ALMS1-related conditions. This variant is not present in population databases (gnomAD no frequency). This sequence change creates a premature translational stop signal (p.Ser2308Leufs*36) in the ALMS1 gene. It is expected to result in an absent or disrupted protein product. Loss-of-function variants in ALMS1 are known to be pathogenic (PMID: 17594715).

Literature cited by the submitters: PubMed 17594715.

NM_001378454.1(ALMS1):c.6918del (p.Ser2307fs)

Gene: ALMS1 (ALMS1 centrosome and basal body associated protein; plus strand). Cytogenetic location: 2p13.1.
Variant type: Deletion.
Coding change: c.6918del on transcript NM_001378454.1 (MANE Select); coding-DNA position 6918, one base deleted (C; older notation c.6918delC).
Protein change: p.Ser2307fs; shifts the reading frame from serine 2307.
Molecular consequence: frameshift variant.
Genome position (GRCh38, 1-based): chr2:73,453,445, C deleted; the last of 3 consecutive C bases (chr2:73,453,443-73,453,445); deleting any one gives the same sequence. VCF-style (leftmost placement, unchanged base first): chr2-73453442-AC-A. GRCh37 (hg19) VCF-style: chr2-73680569-AC-A.
Other names: c.6921del, p.Ser2308fs (NM_015120.4); short protein forms S2307fs, S2308fs.
Identifiers: ClinVar variation 1453145 (VCV001453145.6), dbSNP rs2103791934, ClinGen allele CA2573135785.